The following is an entry in ClinVar:

ClinVar aggregate classification (germline): Uncertain significance (1 of 4 stars; one submission).

Conditions:
Short-rib thoracic dysplasia 6 with or without polydactyly (SRTD6). Also called: POLYDACTYLY WITH NEONATAL CHONDRODYSTROPHY, TYPE II; SHORT RIB-POLYDACTYLY SYNDROME, TYPE IIA; Majewski Syndrome; SHORT-RIB THORACIC DYSPLASIA 6 WITH POLYDACTYLY; SHORT-RIB THORACIC DYSPLASIA 6 WITHOUT POLYDACTYLY. Identifiers: MedGen C0024507, MONDO:0009894, OMIM 263520.

Submission:

Labcorp Genetics (formerly Invitae), Labcorp
Classification: Uncertain significance for Short-rib thoracic dysplasia 6 with or without polydactyly. Last evaluated: 2026-01-25. Review status: criteria provided, single submitter. Criteria: Invitae Variant Classification Sherloc (09022015). Collection method: clinical testing. Allele origin: germline.
Comment: This sequence change falls in intron 32 of the NEK1 gene. It does not directly change the encoded amino acid sequence of the NEK1 protein. This variant is not present in population databases (gnomAD no frequency). This variant has not been reported in the literature in individuals affected with NEK1-related conditions. ClinVar contains an entry for this variant (Variation ID: 2965701). Algorithms developed to predict the effect of sequence changes on RNA splicing suggest that this variant may disrupt the consensus splice site. In summary, the available evidence is currently insufficient to determine the role of this variant in disease. Therefore, it has been classified as a Variant of Uncertain Significance.

NM_001199397.3(NEK1):c.3715-7G>A

Gene: NEK1 (NIMA related kinase 1; minus strand). Cytogenetic location: 4q33.
Variant type: single nucleotide variant.
Coding change: c.3715-7G>A on transcript NM_001199397.3 (MANE Select); 7 bases into the intron before coding-DNA position 3715, G replaced by A.
Molecular consequence: intron variant.
Genome position (GRCh38, 1-based): chr4:169,400,364, C>T on the plus strand (G>A on the coding strand, the complement: NEK1 is on the minus strand). VCF-style: chr4-169400364-C-T. GRCh37 (hg19) VCF-style: chr4-170321515-C-T.
Other names: c.3232-7G>A (NM_001374421.1); c.3580-7G>A (NM_001374420.1); c.3424-7G>A (NM_001199399.3); c.3583-7G>A (NM_001199398.3); c.3631-7G>A (NM_001374419.1, NM_012224.4); c.3499-7G>A (NM_001199400.3); c.3715-7G>A (NM_001374418.1).
Identifiers: ClinVar variation 2965701 (VCV002965701.3), dbSNP rs1359365296, ClinGen allele CA2740091588.
Genomic context (GRCh38, chr4:169,400,364, plus strand): 5'-TTGAACTATTTTTGAACAAATTTCAATATTTTCATCTTCATCTTCATGAATAGCCTATAC[C>T]AAATTCCCAAATATAAATTAATATTTGAATAACTTTCTGTAATTGCAGACTTCACTTTTT-3'